The following is an entry in ClinVar:

NM_006846.4(SPINK5):c.1963G>A (p.Gly655Ser)

Gene: SPINK5 (serine peptidase inhibitor Kazal type 5; plus strand). Cytogenetic location: 5q32.
Variant type: single nucleotide variant.
Coding change: c.1963G>A on transcript NM_006846.4 (MANE Select); coding-DNA position 1963, G replaced by A.
Protein change: p.Gly655Ser; replaces glycine 655 with serine.
Molecular consequence: missense variant.
Genome position (GRCh38, 1-based): chr5:148,114,437, G>A. VCF-style: chr5-148114437-G-A. GRCh37 (hg19) VCF-style: chr5-147494000-G-A.
Other names: c.1963G>A, p.Gly655Ser (NM_001127698.2, NM_001127699.2); short protein forms G655S.
Identifiers: ClinVar variation 2043559 (VCV002043559.4), dbSNP rs771753529, ClinGen allele CA361642392.

ClinVar aggregate classification (germline): Uncertain significance (1 of 4 stars; one submission).

Conditions:
Ichthyosis linearis circumflexa. Identifiers: MedGen C0265962, MONDO:0043106, HP:0025810.

gnomAD v4.1: 2 of 1,613,684 alleles (0.00012%); highest among the groups gnomAD compares: African/African-American, 0.0013%; no homozygotes.

Submission:

Labcorp Genetics (formerly Invitae), Labcorp
Classification: Uncertain significance for Ichthyosis linearis circumflexa. Last evaluated: 2021-12-15. Review status: criteria provided, single submitter. Criteria: Invitae Variant Classification Sherloc (09022015). Collection method: clinical testing. Allele origin: germline.
Comment: This variant is not present in population databases (gnomAD no frequency). In summary, the available evidence is currently insufficient to determine the role of this variant in disease. Therefore, it has been classified as a Variant of Uncertain Significance. Algorithms developed to predict the effect of sequence changes on RNA splicing suggest that this variant may create or strengthen a splice site. Algorithms developed to predict the effect of missense changes on protein structure and function are either unavailable or do not agree on the potential impact of this missense change (SIFT: "Deleterious"; PolyPhen-2: "Probably Damaging"; Align-GVGD: "Class C0"). This variant has not been reported in the literature in individuals affected with SPINK5-related conditions. This sequence change replaces glycine, which is neutral and non-polar, with serine, which is neutral and polar, at codon 655 of the SPINK5 protein (p.Gly655Ser).